The following is an entry in ClinVar:

ClinVar aggregate classification (germline): Likely benign. Review status: criteria provided, multiple submitters, no conflicts (2 of 4 stars). 3 submissions from 3 submitters: Likely benign (3). Last evaluated 2025-06-29.

Conditions:
Arrhythmogenic cardiomyopathy with wooly hair and keratoderma. Also called: Dilated cardiomyopathy with woolly hair and keratoderma; PALMOPLANTAR KERATODERMA WITH LEFT VENTRICULAR CARDIOMYOPATHY AND WOOLLY HAIR; Carvajal syndrome; Arrhythmogenic cardiomyopathy with woolly hair and keratoderma. Identifiers: Orphanet 65282, MedGen C1854063, MONDO:0011581, OMIM 605676.
Arrhythmogenic right ventricular dysplasia 8 (ARVD8). Also called: Arrhythmogenic Right Ventricular Dysplasia/Cardiomyopathy 8; ARRHYTHMOGENIC RIGHT VENTRICULAR DYSPLASIA, FAMILIAL, 8; ARRHYTHMOGENIC RIGHT VENTRICULAR CARDIOMYOPATHY 8. Identifiers: MedGen C1843896, MONDO:0011831, OMIM 607450.
Cardiomyopathy (CMYO). Also called: Cardiomyopathies. Identifiers: Orphanet 167848, MedGen C0878544, MONDO:0004994, HP:0001638. Inheritance: Various modes of inheritance.

Allele frequency attached by ClinVar (database versions not stated): gnomAD exomes below 0.00001 and 0.00001; TOPMed below 0.00001; ExAC 0.00001.
gnomAD v4.1: 1 of 1,614,130 alleles (0.000062%); highest among the groups gnomAD compares: East Asian, 0.0022%; no homozygotes.

Submissions (3):

Labcorp Genetics (formerly Invitae), Labcorp
Classification: Likely benign for Arrhythmogenic cardiomyopathy with wooly hair and keratoderma; Arrhythmogenic right ventricular dysplasia 8. Last evaluated: 2025-06-29. Review status: criteria provided, single submitter. Criteria: Invitae Variant Classification Sherloc (09022015). Collection method: clinical testing. Allele origin: germline.

All of Us Research Program, National Institutes of Health
Classification: Likely benign for Arrhythmogenic cardiomyopathy with wooly hair and keratoderma. Last evaluated: 2022-11-30. Review status: criteria provided, single submitter. Criteria: ACMG Guidelines, 2015. Collection method: clinical testing. Allele origin: germline. Inheritance: Autosomal dominant inheritance. Observed: 1 variant allele, 1 heterozygote.
Comment: This study involves interpretation of variants in research participants for the purpose of population health screening. Participant phenotype was not available at the time of variant classification. Additional details can be found in publication PMID: 35346344, PMCID: PMC8962531

Color Diagnostics, LLC DBA Color Health
Classification: Likely benign for Cardiomyopathy. Last evaluated: 2021-01-20. Review status: criteria provided, single submitter. Criteria: ACMG Guidelines, 2015. Collection method: clinical testing. Allele origin: germline.

NM_004415.4(DSP):c.4248A>G (p.Leu1416=)

Gene: DSP (desmoplakin; plus strand). Cytogenetic location: 6p24.3.
Variant type: single nucleotide variant.
Coding change: c.4248A>G on transcript NM_004415.4 (MANE Select); coding-DNA position 4248, A replaced by G.
Protein change: p.Leu1416=; no amino-acid change (leucine 1416 retained).
Molecular consequence: synonymous variant. On other transcripts: intron variant (2).
Genome position (GRCh38, 1-based): chr6:7,580,438, A>G. VCF-style: chr6-7580438-A-G. GRCh37 (hg19) VCF-style: chr6-7580671-A-G.
Other names: c.4050+198A>G (NM_001319034.2); c.3582+666A>G (NM_001008844.3).
Identifiers: ClinVar variation 1171384 (VCV001171384.11), dbSNP rs760259046, ClinGen allele CA040899.